The following is an entry in ClinVar:

NM_001080449.3(DNA2):c.3087G>C (p.Leu1029=)

Gene: DNA2 (DNA replication helicase/nuclease 2; minus strand). Cytogenetic location: 10q21.3.
Variant type: single nucleotide variant.
Coding change: c.3087G>C on transcript NM_001080449.3 (MANE Select); coding-DNA position 3087, G replaced by C.
Protein change: p.Leu1029=; no amino-acid change (leucine 1029 retained).
Molecular consequence: synonymous variant. On other transcripts: non-coding transcript variant (1).
Genome position (GRCh38, 1-based): chr10:68,416,736, C>G on the plus strand (G>C on the coding strand, the complement: DNA2 is on the minus strand). VCF-style: chr10-68416736-C-G. GRCh37 (hg19) VCF-style: chr10-70176493-C-G.
Identifiers: ClinVar variation 2640526 (VCV002640526.24), dbSNP rs754444650, ClinGen allele CA5524668.
Genomic context (GRCh38, chr10:68,416,736, plus strand): 5'-CAAATGTGACCATATACAGAAGAAAAAGGATATTAATTTTTCTGAGTTTAAATGATTAAG[C>G]AGCTTCTCCAAAGGAGGATAGCAATTTAGTGAGGGCACACACCCCAGAAGAATCAGTTTA-3'
Protein context (NP_001073918.2, residues 1019-1039): SLNCYPPLEK[Leu1029=]LNHLNSEKLI

ClinVar aggregate classification (germline): Likely benign (1 of 4 stars; one submission).

Allele frequency attached by ClinVar (database versions not stated): ExAC 0.00001.
gnomAD v4.1: 1 of 1,613,754 alleles (0.000062%); highest among the groups gnomAD compares: South Asian, 0.0011%; no homozygotes.

Submission:

CeGaT Center for Human Genetics Tuebingen
Classification: Likely benign. Last evaluated: 2022-10-01. Review status: criteria provided, single submitter. Criteria: CeGaT Center For Human Genetics Tuebingen Variant Classification Criteria Version 2. Collection method: clinical testing. Allele origin: germline. Affected: yes. Observed: 1 variant allele.
Comment: DNA2: BP4, BP7